The following is an entry in ClinVar:

ClinVar aggregate classification (germline): Pathogenic (1 of 4 stars; one submission).

Conditions:
Familial hemophagocytic lymphohistiocytosis 2 (FHL2). Also called: PRF1-Related Familial Hemophagocytic Lymphohistiocytosis (PRF1-fHLH). Identifiers: Orphanet 540, MedGen C1863727, MONDO:0011337, OMIM 603553.

Submission:

Myriad Genetics, Inc.
Classification: Pathogenic for Familial hemophagocytic lymphohistiocytosis 2. Last evaluated: 2026-02-03. Review status: criteria provided, single submitter. Criteria: Myriad Autosomal Dominant, Autosomal Recessive and X-Linked Classification Criteria (2023). Collection method: clinical testing. Allele origin: unknown.
Comment: NM_001083116.1(PRF1):c.1288dupG(D430Gfs*28) is a frameshift variant classified as pathogenic in the context of familial hemophagocytic lymphohistiocytosis, PRF1-related. D430Gfs*28 has been observed in cases with relevant disease (PMID: 33746956, 27896523, 29777376). Relevant functional assessments of this variant are not available in the literature. D430Gfs*28 has been observed in referenced population frequency databases. In summary, NM_001083116.1(PRF1):c.1288dupG(D430Gfs*28) is a frameshift variant in a gene where loss of function is a known mechanism of disease, is predicted to disrupt protein function, and has been observed more frequently in cases with the relevant disease than in healthy populations. Please note: this variant was assessed in the context of healthy population screening.

Literature cited by the submitters: PubMed 27896523; PubMed 29777376; PubMed 33746956.

NM_001083116.3(PRF1):c.1288dup (p.Asp430fs)

Gene: PRF1 (perforin 1; minus strand). Cytogenetic location: 10q22.1.
Variant type: Duplication.
Coding change: c.1288dup on transcript NM_001083116.3 (MANE Select); coding-DNA position 1288, one base duplicated (G; older notation c.1288dupG).
Protein change: p.Asp430fs; shifts the reading frame from aspartic acid 430.
Molecular consequence: frameshift variant.
Genome position (GRCh38, 1-based): chr10:70,598,433, C duplicated on the plus strand (G on the coding strand, the reverse complement: PRF1 is on the minus strand); the first of 6 consecutive C bases (chr10:70,598,433-70,598,438); duplicating any one gives the same sequence. VCF-style (leftmost placement, unchanged base first): chr10-70598432-T-TC. GRCh37 (hg19) VCF-style: chr10-72358188-T-TC.
Other names: c.1288dup, p.Asp430fs (NM_005041.6); short protein forms D430fs.
Identifiers: ClinVar variation 5004445 (VCV005004445.1).
Genomic context (GRCh38, chr10:70,598,432, plus strand): 5'-GTCCTCAGCTCCTGGCCACCAAAGAAGAGCTTCACATAGGCATCCGTGGCAGTGAACCAG[T>TC]CCCCCCACAGGCCCCATGCTTGGATGAAGGTCACCTCCAGCTGGGCCAGGCCCCTCTGCC-3'